The following is an entry in ClinVar:

NM_001267550.2(TTN):c.70600T>A (p.Ser23534Thr)

Genes: TTN (titin; minus strand), TTN-AS1 (TTN antisense RNA 1; plus strand), LOC126806422 (BRD4-independent group 4 enhancer GRCh37_chr2:179440205-179441404; plus strand). Cytogenetic location: 2q31.2.
Variant type: single nucleotide variant.
Coding change: c.70600T>A on transcript NM_001267550.2 (MANE Select); coding-DNA position 70600, T replaced by A.
Protein change: p.Ser23534Thr; replaces serine 23534 with threonine.
Molecular consequence: missense variant.
Genome position (GRCh38, 1-based): chr2:178,575,532, A>T on the plus strand (T>A on the coding strand, the complement: TTN is on the minus strand). VCF-style: chr2-178575532-A-T. GRCh37 (hg19) VCF-style: chr2-179440259-A-T.
Other names: c.62896T>A, p.Ser20966Thr (NM_133378.4); c.65677T>A, p.Ser21893Thr (NM_001256850.1); c.43405T>A, p.Ser14469Thr (NM_003319.4); c.43780T>A, p.Ser14594Thr (NM_133432.3); c.43981T>A, p.Ser14661Thr (NM_133437.4); short protein forms S23534T, S20966T, S14469T, S14594T, S14661T, S21893T.
Identifiers: ClinVar variation 47287 (VCV000047287.5), dbSNP rs397517686, ClinGen allele CA140583.
Genomic context (GRCh38, chr2:178,575,532, plus strand): 5'-GCCATGCCAGGCTGACGGTGCTCTTAGTTATGTCCATGATGTTAAGGCTGTCTGGTGGAG[A>T]TGGTGCTTCAGAGGCTTTTACGGGCTCTGTAGTTTCTGTTGGCTCACCAATTCCATATTC-3'
Protein context (NP_001254479.2, residues 23524-23544): TEPVKASEAP[Ser23534Thr]PPDSLNIMDI

ClinVar aggregate classification (germline): Uncertain significance (1 of 4 stars; one submission).

Submission:

Laboratory for Molecular Medicine, Mass General Brigham Personalized Medicine
Classification: Uncertain significance. Last evaluated: 2012-05-23. Review status: criteria provided, single submitter. Criteria: LMM Criteria. Collection method: clinical testing. Allele origin: germline. Observed: 1 variant allele.
Comment: Variant classified as Uncertain Significance - Favor Benign. The Ser20966Thr var iant in TTN has not been reported in the literature nor previously identified by our laboratory. Serine (Ser) at position 20966 is not conseerved in mammals (se veral mammals have a leucine, Leu) and computational analyses (biochemical amino acid properties, AlignGVGD, PolyPhen2, and SIFT) suggest that the Ser20966Thr v ariant may not impact the protein, though this information is not predictive eno ugh to rule out pathogenicity. Although this data supports that the Ser20966Thr variant may be benign, additional studies are needed to fully assess its clinica l significance.